The following is an entry in ClinVar:

ClinVar aggregate classification (germline): Uncertain significance (1 of 4 stars; one submission).

Allele frequency attached by ClinVar (database versions not stated): gnomAD exomes below 0.00001; gnomAD 0.00001.
gnomAD v4.1: 3 of 1,613,882 alleles (0.00019%); highest among the groups gnomAD compares: African/African-American, 0.0013%; no homozygotes.

Submission:

Labcorp Genetics (formerly Invitae), Labcorp
Classification: Uncertain significance. Last evaluated: 2023-06-27. Review status: criteria provided, single submitter. Criteria: Invitae Variant Classification Sherloc (09022015). Collection method: clinical testing. Allele origin: germline.
Comment: Advanced modeling of protein sequence and biophysical properties (such as structural, functional, and spatial information, amino acid conservation, physicochemical variation, residue mobility, and thermodynamic stability) performed at Invitae indicates that this missense variant is not expected to disrupt THBD protein function. This variant has not been reported in the literature in individuals affected with THBD-related conditions. This variant is present in population databases (no rsID available, gnomAD 0.01%). This sequence change replaces glutamine, which is neutral and polar, with lysine, which is basic and polar, at codon 383 of the THBD protein (p.Gln383Lys). In summary, the available evidence is currently insufficient to determine the role of this variant in disease. Therefore, it has been classified as a Variant of Uncertain Significance.

NM_000361.3(THBD):c.1147C>A (p.Gln383Lys)

Gene: THBD (thrombomodulin; minus strand). Cytogenetic location: 20p11.21.
Variant type: single nucleotide variant.
Coding change: c.1147C>A on transcript NM_000361.3 (MANE Select); coding-DNA position 1147, C replaced by A.
Protein change: p.Gln383Lys; replaces glutamine 383 with lysine.
Molecular consequence: missense variant.
Genome position (GRCh38, 1-based): chr20:23,048,358, G>T on the plus strand (C>A on the coding strand, the complement: THBD is on the minus strand). VCF-style: chr20-23048358-G-T. GRCh37 (hg19) VCF-style: chr20-23028995-G-T.
Other names: short protein forms Q383K.
Identifiers: ClinVar variation 2730805 (VCV002730805.3), dbSNP rs1238755005, ClinGen allele CA408406164.